The following is an entry in ClinVar:

NM_001127511.3(APC):c.88A>T (p.Ser30Cys)

Gene: APC (APC regulator of Wnt signaling pathway; plus strand). Cytogenetic location: 5q22.2.
Variant type: single nucleotide variant.
Coding change: c.88A>T on transcript NM_001127511.3; coding-DNA position 88, A replaced by T.
Protein change: p.Ser30Cys; replaces serine 30 with cysteine.
Molecular consequence: missense variant. On other transcripts: 5 prime UTR variant (8), non-coding transcript variant (1), intron variant (5).
Genome position (GRCh38, 1-based): chr5:112,707,805, A>T. VCF-style: chr5-112707805-A-T. GRCh37 (hg19) VCF-style: chr5-112043502-A-T.
Other names: c.-96A>T (NM_001354895.2, NM_001407447.1, NM_001407452.1 and 3 more transcripts); c.88A>T, p.Ser30Cys (NM_001354897.2, NM_001354902.2, NM_001407446.1); c.-1131A>T (NM_001407470.1, NM_001407472.1); c.-19+156A>T (NM_001407448.1, NM_001407450.1, NM_001407457.1 and 1 more transcripts); c.-43+156A>T (NM_001407453.1); short protein forms S30C.
Identifiers: ClinVar variation 1505899 (VCV001505899.6), dbSNP rs2149630963, ClinGen allele CA360611925.

ClinVar aggregate classification (germline): Uncertain significance (1 of 4 stars; one submission).

Conditions:
Familial adenomatous polyposis 1 (FAP1). Also called: FAMILIAL ADENOMATOUS POLYPOSIS 1, ATTENUATED; POLYPOSIS, ADENOMATOUS INTESTINAL. Identifiers: MedGen C2713442, MONDO:0021056, OMIM 175100. Disease mechanism: loss of function.

gnomAD v4.1: 3 of 1,370,542 alleles (0.00022%); highest among the groups gnomAD compares: South Asian, 0.0037%; no homozygotes.

Submission:

Labcorp Genetics (formerly Invitae), Labcorp
Classification: Uncertain significance for Familial adenomatous polyposis 1. Last evaluated: 2021-01-08. Review status: criteria provided, single submitter. Criteria: Invitae Variant Classification Sherloc (09022015). Collection method: clinical testing. Allele origin: germline.
Comment: In summary, the available evidence is currently insufficient to determine the role of this variant in disease. Therefore, it has been classified as a Variant of Uncertain Significance. Experimental studies and prediction algorithms are not available or were not evaluated, and the functional significance of this variant is currently unknown. This variant has not been reported in the literature in individuals with APC-related conditions. The frequency data for this variant in the population databases is considered unreliable, as metrics indicate insufficient coverage at this position in the ExAC database. This variant occurs in a non-coding region of the APC gene. It does not change the encoded amino acid sequence of the APC protein.